The following is an entry in ClinVar:

ClinVar aggregate classification (germline): Likely benign (1 of 4 stars; one submission).

Conditions:
Schaaf-Yang syndrome (SHFYNG). Also called: MAGEL2-related Prader-Willi-like syndrome; Arthrogryposis, distal, with hypopituitarism, intellectual disability, and facial anomalies. Identifiers: Orphanet 398069, MedGen C5575066, MONDO:0014243, OMIM 615547.

Submission:

Centre for Medical Genetics,  Mumbai
Classification: Likely benign for Schaaf-Yang syndrome. Last evaluated: 2026-02-16. Review status: criteria provided, single submitter. Criteria: ACMG Guidelines, 2015. Collection method: provider interpretation. Allele origin: germline. Inheritance: Autosomal dominant inheritance. Affected: no. Observed: 1 homozygote.
Comment: The variant satisfies PM2 criteria; extremely low frequency in gnomAD population databases. However, the variant satisfies BS2 criteria.

Literature cited by the submitters: PubMed 24076603.

NM_019066.5(MAGEL2):c.133G>A (p.Asp45Asn)

Gene: MAGEL2 (MAGE family member L2; minus strand). Cytogenetic location: 15q11.2.
Variant type: single nucleotide variant.
Coding change: c.133G>A on transcript NM_019066.5 (MANE Select); coding-DNA position 133, G replaced by A.
Protein change: p.Asp45Asn; replaces aspartic acid 45 with asparagine.
Molecular consequence: missense variant.
Genome position (GRCh38, 1-based): chr15:23,647,610, C>T on the plus strand (G>A on the coding strand, the complement: MAGEL2 is on the minus strand). VCF-style: chr15-23647610-C-T. GRCh37 (hg19) VCF-style: chr15-23892757-C-T.
Other names: short protein forms D45N.
Identifiers: ClinVar variation 4795886 (VCV004795886.1).
Genomic context (GRCh38, chr15:23,647,610, plus strand): 5'-AGGCAGGCTGAGGTGCCTGCCAAGCGGCCAATGAAGCCTGCAAGTCAATTGGAGGTGGAT[C>T]CCAAGGGACTGGCGGAGCCCGGGAGGAAGCGGGCGGGGCCCGCATCAGAACCGTAGGGCG-3'
Protein context (NP_061939.3, residues 35-55): ASSRAPPVPW[Asp45Asn]PPPIDLQASL